The following is an entry in ClinVar:

NM_000138.5(FBN1):c.156G>T (p.Ala52=)

Gene: FBN1 (fibrillin 1; minus strand). Cytogenetic location: 15q21.1.
Variant type: single nucleotide variant.
Coding change: c.156G>T on transcript NM_000138.5 (MANE Select); coding-DNA position 156, G replaced by T.
Protein change: p.Ala52=; no amino-acid change (alanine 52 retained).
Molecular consequence: synonymous variant.
Genome position (GRCh38, 1-based): chr15:48,644,614, C>A on the plus strand (G>T on the coding strand, the complement: FBN1 is on the minus strand). VCF-style: chr15-48644614-C-A. GRCh37 (hg19) VCF-style: chr15-48936811-C-A.
Other names: p.A52A:GCG>GCT; p.Ala52=.
Identifiers: ClinVar variation 42287 (VCV000042287.42), dbSNP rs25398, ClinGen allele CA012270.
Genomic context (GRCh38, chr15:48,644,614, plus strand): 5'-GGATCTTGAAACTTGGGAGACCCACACCAAAGGAGGGAACCGGTTCCTTTACCCTTTAAG[C>A]GCGTCGTGTCCTCCACCGCCTCTTCTCTTGGCCCGACTGGCTCTGGTTTCCTTCACGTTC-3'
Protein context (NP_000129.3, residues 42-62): AKRRGGGGHD[Ala52=]LKGPNVCGSR

ClinVar aggregate classification (germline): Benign. Review status: criteria provided, multiple submitters, no conflicts (2 of 4 stars). 18 submissions from 12 submitters: Benign (18). Last evaluated 2026-02-04.

Conditions:
Geleophysic dysplasia. Identifiers: Orphanet 2623, MedGen C3489726, MONDO:0000127.
Weill-Marchesani syndrome. Also called: WM Syndrome; Mesodermal dysmorphodystrophy congenital. Identifiers: Orphanet 3449, MedGen C0265313, MONDO:0018096.
Marfan syndrome (MFS). Also called: FBN1-Related Marfan Syndrome; Marfan syndrome, classic; MARFAN SYNDROME, TYPE I; Marfan syndrome type 1; Marfan's syndrome. Identifiers: Orphanet 284963, Orphanet 558, MedGen C0024796, MONDO:0007947, OMIM 154700.
Familial thoracic aortic aneurysm and aortic dissection (TAAD). Also called: Thoracic aortic aneurysms and dissections. Identifiers: Orphanet 91387, MedGen C4707243, MONDO:0019625.
Acromicric dysplasia (ACMICD). Also called: Acromicric skeletal dysplasia. Identifiers: Orphanet 969, MedGen C0265287, MONDO:0007055, OMIM 102370.
Ectopia lentis 1, isolated, autosomal dominant (ECTOL1). Identifiers: Orphanet 1885, MedGen C3541518, MONDO:0007514, OMIM 129600.
Stiff skin syndrome (SSKS). Identifiers: Orphanet 2833, MedGen C1861456, MONDO:0008492, OMIM 184900.

Allele frequency attached by ClinVar (database versions not stated): gnomAD exomes 0.01633; 1000 Genomes Project 0.07009; ExAC 0.02077; gnomAD 0.06362 and 0.06859; 1000 Genomes Project 30x 0.07573; ESP Exome Variant Server 0.07693; TOPMed 0.07234.
gnomAD v4.1: 18,970 of 1,614,074 alleles (1.2%); highest among the groups gnomAD compares: African/African-American, 23%; 2,132 homozygotes.

Submissions (18):

Labcorp Genetics (formerly Invitae), Labcorp
Classification: Benign for Marfan syndrome; Familial thoracic aortic aneurysm and aortic dissection. Last evaluated: 2026-02-04. Review status: criteria provided, single submitter. Criteria: Invitae Variant Classification Sherloc (09022015). Collection method: clinical testing. Allele origin: germline.

ARUP Laboratories, Molecular Genetics and Genomics, ARUP Laboratories
Classification: Benign. Last evaluated: 2025-07-31. Review status: criteria provided, single submitter. Criteria: ARUP Molecular Germline Variant Investigation Process 2024. Collection method: clinical testing. Allele origin: germline.

Molecular Diagnostic Laboratory for Inherited Cardiovascular Disease, Montreal Heart Institute
Classification: Benign. Last evaluated: 2025-04-09. Review status: criteria provided, single submitter. Criteria: ACMG Guidelines, 2015. Collection method: clinical testing. Allele origin: germline. Affected: no.
Comment: BA1

CHEO Genetics Diagnostic Laboratory, Children's Hospital of Eastern Ontario
Classification: Benign for Familial thoracic aortic aneurysm and aortic dissection. Last evaluated: 2023-04-27. Review status: criteria provided, single submitter. Criteria: ACMG Guidelines, 2015. Collection method: clinical testing. Allele origin: germline.

Color Diagnostics, LLC DBA Color Health
Classification: Benign for Familial thoracic aortic aneurysm and aortic dissection. Last evaluated: 2018-03-16. Review status: criteria provided, single submitter. Criteria: ACMG Guidelines, 2015. Collection method: clinical testing. Allele origin: germline.

Illumina Laboratory Services, Illumina
Classification: Benign for Stiff skin syndrome. Last evaluated: 2018-01-13. Review status: criteria provided, single submitter. Criteria: ICSL Variant Classification Criteria 13 December 2019. Collection method: clinical testing. Allele origin: germline.
Comment: This variant was observed in the ICSL laboratory as part of a predisposition screen in an ostensibly healthy population. It had not been previously curated by ICSL or reported in the Human Gene Mutation Database (HGMD: prior to June 1st, 2018), and was therefore a candidate for classification through an automated scoring system. Utilizing variant allele frequency, disease prevalence and penetrance estimates, and inheritance mode, an automated score was calculated to assess if this variant is too frequent to cause the disease. Based on the score and internal cut-off values, a variant classified as benign is not then subjected to further curation. The score for this variant resulted in a classification of benign for this disease.

Illumina Laboratory Services, Illumina
Classification: Benign for Ectopia lentis 1, isolated, autosomal dominant. Last evaluated: 2018-01-13. Review status: criteria provided, single submitter. Criteria: ICSL Variant Classification Criteria 13 December 2019. Collection method: clinical testing. Allele origin: germline.
Comment: the same text as in the submission from Illumina Laboratory Services, Illumina above.

Illumina Laboratory Services, Illumina
Classification: Benign for Familial thoracic aortic aneurysm and aortic dissection. Last evaluated: 2018-01-13. Review status: criteria provided, single submitter. Criteria: ICSL Variant Classification Criteria 13 December 2019. Collection method: clinical testing. Allele origin: germline.
Comment: the same text as in the submission from Illumina Laboratory Services, Illumina above.

Illumina Laboratory Services, Illumina
Classification: Benign for Weill-Marchesani syndrome. Last evaluated: 2018-01-13. Review status: criteria provided, single submitter. Criteria: ICSL Variant Classification Criteria 13 December 2019. Collection method: clinical testing. Allele origin: germline.
Comment: the same text as in the submission from Illumina Laboratory Services, Illumina above.

Illumina Laboratory Services, Illumina
Classification: Benign for Geleophysic dysplasia. Last evaluated: 2018-01-13. Review status: criteria provided, single submitter. Criteria: ICSL Variant Classification Criteria 13 December 2019. Collection method: clinical testing. Allele origin: germline.
Comment: the same text as in the submission from Illumina Laboratory Services, Illumina above.

Illumina Laboratory Services, Illumina
Classification: Benign for Marfan syndrome. Last evaluated: 2018-01-13. Review status: criteria provided, single submitter. Criteria: ICSL Variant Classification Criteria 13 December 2019. Collection method: clinical testing. Allele origin: germline.
Comment: the same text as in the submission from Illumina Laboratory Services, Illumina above.

Illumina Laboratory Services, Illumina
Classification: Benign for Acromicric dysplasia. Last evaluated: 2018-01-13. Review status: criteria provided, single submitter. Criteria: ICSL Variant Classification Criteria 13 December 2019. Collection method: clinical testing. Allele origin: germline.
Comment: the same text as in the submission from Illumina Laboratory Services, Illumina above.

Ambry Genetics
Classification: Benign for Familial thoracic aortic aneurysm and aortic dissection. Last evaluated: 2015-02-03. Review status: criteria provided, single submitter. Criteria: Ambry Variant Classification Scheme 2023. Collection method: clinical testing. Allele origin: germline.

Mayo Clinic Laboratories, Mayo Clinic
Classification: Benign. Last evaluated: 2014-01-29. Review status: criteria provided, single submitter. Criteria: ACMG Guidelines, 2015. Collection method: clinical testing. Allele origin: germline. Observed: 50 variant alleles.

GeneDx
Classification: Benign. Last evaluated: 2013-02-01. Review status: criteria provided, single submitter. Criteria: GeneDx Variant Classification (06012015). Collection method: clinical testing. Allele origin: germline. Affected: yes.
Comment: This variant is considered likely benign or benign based on one or more of the following criteria: it is a conservative change, it occurs at a poorly conserved position in the protein, it is predicted to be benign by multiple in silico algorithms, and/or has population frequency not consistent with disease.

Laboratory for Molecular Medicine, Mass General Brigham Personalized Medicine
Classification: Benign. Last evaluated: 2008-12-05. Review status: criteria provided, single submitter. Criteria: LMM Criteria. Collection method: clinical testing. Allele origin: germline. Observed: 29 variant alleles.

Breakthrough Genomics
Classification: Benign. Review status: criteria provided, single submitter. Criteria: ACMG Guidelines, 2015. Collection method: not provided. Allele origin: germline. Inheritance: Autosomal dominant inheritance. Affected: yes.

PreventionGenetics, part of Exact Sciences
Classification: Benign. Review status: criteria provided, single submitter. Criteria: ACMG Guidelines, 2015. Collection method: clinical testing. Allele origin: germline.

Literature cited by the submitters: PubMed 10464652 (cited by Laboratory for Molecular Medicine, Mass General Brigham Personalized Medicine).